The following is an entry in ClinVar:

NM_016038.4(SBDS):c.431T>C (p.Val144Ala)

Gene: SBDS (SBDS ribosome maturation factor; minus strand). Cytogenetic location: 7q11.21.
Variant type: single nucleotide variant.
Coding change: c.431T>C on transcript NM_016038.4 (MANE Select); coding-DNA position 431, T replaced by C.
Protein change: p.Val144Ala; replaces valine 144 with alanine.
Molecular consequence: missense variant.
Genome position (GRCh38, 1-based): chr7:66,993,245, A>G on the plus strand (T>C on the coding strand, the complement: SBDS is on the minus strand). VCF-style: chr7-66993245-A-G. GRCh37 (hg19) VCF-style: chr7-66458232-A-G.
Other names: short protein forms V144A.
Identifiers: ClinVar variation 2485193 (VCV002485193.3), dbSNP rs2536928414, ClinGen allele CA367649407.

ClinVar aggregate classification (germline): Uncertain significance (1 of 4 stars; one submission).

Conditions:
Inborn genetic diseases. Identifiers: MedGen C0950123, MeSH D030342.

Allele frequency attached by ClinVar (database versions not stated): gnomAD exomes below 0.00001.
gnomAD v4.1: 1 of 1,614,120 alleles (0.000062%); highest among the groups gnomAD compares: Non-Finnish European, 0.000085%; no homozygotes.

Submission:

Ambry Genetics
Classification: Uncertain significance for Inborn genetic diseases. Last evaluated: 2025-10-03. Review status: criteria provided, single submitter. Criteria: Ambry Variant Classification Scheme 2023. Collection method: clinical testing. Allele origin: germline.
Comment: The p.V144A variant (also known as c.431T>C), located in coding exon 3 of the SBDS gene, results from a T to C substitution at nucleotide position 431. The valine at codon 144 is replaced by alanine, an amino acid with similar properties. This amino acid position is conserved. In addition, this alteration is predicted to be deleterious by in silico analysis. Based on the available evidence, the clinical significance of this variant remains unclear.